The following is an entry in ClinVar:

ClinVar aggregate classification (germline): Uncertain significance (1 of 4 stars; one submission).

Conditions:
Hereditary cancer-predisposing syndrome. Also called: Hereditary neoplastic syndrome; Neoplastic Syndromes, Hereditary; Tumor predisposition; Hereditary Cancer Syndrome. Identifiers: Orphanet 140162, MedGen C0027672, MeSH D009386, MONDO:0015356.

Submission:

Ambry Genetics
Classification: Uncertain significance for Hereditary cancer-predisposing syndrome. Last evaluated: 2025-03-12. Review status: criteria provided, single submitter. Criteria: Ambry Variant Classification Scheme 2023. Collection method: clinical testing. Allele origin: germline.
Comment: The p.T537S variant (also known as c.1610C>G), located in coding exon 6 of the BLM gene, results from a C to G substitution at nucleotide position 1610. The threonine at codon 537 is replaced by serine, an amino acid with similar properties. This amino acid position is conserved. In addition, this alteration is predicted to be tolerated by in silico analysis. Based on the available evidence, the clinical significance of this variant remains unclear.

NM_000057.4(BLM):c.1610C>G (p.Thr537Ser)

Gene: BLM (BLM RecQ like helicase; plus strand). Cytogenetic location: 15q26.1.
Variant type: single nucleotide variant.
Coding change: c.1610C>G on transcript NM_000057.4 (MANE Select); coding-DNA position 1610, C replaced by G.
Protein change: p.Thr537Ser; replaces threonine 537 with serine.
Molecular consequence: missense variant.
Genome position (GRCh38, 1-based): chr15:90,760,983, C>G. VCF-style: chr15-90760983-C-G. GRCh37 (hg19) VCF-style: chr15-91304213-C-G.
Other names: c.1610C>G, p.Thr537Ser (NM_001287246.2, NM_001287247.2); c.485C>G, p.Thr162Ser (NM_001287248.2); short protein forms T162S, T537S.
Identifiers: ClinVar variation 3824490 (VCV003824490.1).